The following is an entry in ClinVar:

NM_012301.4(MAGI2):c.2379C>T (p.Leu793=)

Gene: MAGI2 (membrane associated guanylate kinase, WW and PDZ domain containing 2; minus strand). Cytogenetic location: 7q21.11.
Variant type: single nucleotide variant.
Coding change: c.2379C>T on transcript NM_012301.4 (MANE Select); coding-DNA position 2379, C replaced by T.
Protein change: p.Leu793=; no amino-acid change (leucine 793 retained).
Molecular consequence: synonymous variant.
Genome position (GRCh38, 1-based): chr7:78,178,035, G>A on the plus strand (C>T on the coding strand, the complement: MAGI2 is on the minus strand). VCF-style: chr7-78178035-G-A. GRCh37 (hg19) VCF-style: chr7-77807352-G-A.
Other names: c.2337C>T, p.Leu779= (NM_001301128.2).
Identifiers: ClinVar variation 129561 (VCV000129561.20), dbSNP rs73703715, ClinGen allele CA153634.

ClinVar aggregate classification (germline): Benign/Likely benign. Review status: criteria provided, multiple submitters, no conflicts (2 of 4 stars). 6 submissions from 6 submitters: Benign (2); Likely benign (2). 2 of the submissions do not count toward it. Last evaluated 2026-01-28.

Conditions:
MAGI2-related disorder. Also called: MAGI2-related condition.

Allele frequency attached by ClinVar (database versions not stated): ESP Exome Variant Server 0.00930; gnomAD 0.00966 and 0.00910; TOPMed 0.00999; 1000 Genomes Project 0.01038; 1000 Genomes Project 30x 0.01109; gnomAD exomes 0.00243; ExAC 0.00318.
gnomAD v4.1: 2,653 of 1,612,850 alleles (0.16%); highest among the groups gnomAD compares: African/African-American, 3.1%; 43 homozygotes.

Submissions (6):

Labcorp Genetics (formerly Invitae), Labcorp
Classification: Benign. Last evaluated: 2026-01-28. Review status: criteria provided, single submitter. Criteria: Invitae Variant Classification Sherloc (09022015). Collection method: clinical testing. Allele origin: germline.

GeneDx
Classification: Likely benign. Last evaluated: 2021-03-18. Review status: criteria provided, single submitter. Criteria: GeneDx Variant Classification Process June 2021. Collection method: clinical testing. Allele origin: germline. Affected: yes.

Athena Diagnostics
Classification: Benign. Last evaluated: 2017-11-20. Review status: criteria provided, single submitter. Criteria: Athena Diagnostics Criteria. Collection method: clinical testing. Allele origin: germline.

Breakthrough Genomics
Classification: Likely benign. Review status: criteria provided, single submitter. Criteria: ACMG Guidelines, 2015. Collection method: not provided. Allele origin: germline. Inheritance: Autosomal recessive inheritance. Affected: yes.

PreventionGenetics, part of Exact Sciences
Classification: Benign for MAGI2-related condition. Last evaluated: 2019-07-18. Review status: no assertion criteria provided. Collection method: clinical testing. Allele origin: germline. Not counted in ClinVar's aggregate classification.
Comment: This variant is classified as benign based on ACMG/AMP sequence variant interpretation guidelines (Richards et al. 2015 PMID: 25741868, with internal and published modifications).

Genetic Services Laboratory, University of Chicago
Classification: Likely benign for AllHighlyPenetrant. Review status: no assertion criteria provided. Collection method: clinical testing. Allele origin: germline. Inheritance: Autosomal dominant inheritance. Not counted in ClinVar's aggregate classification.
Comment: Likely benign based on allele frequency in 1000 Genomes Project or ESP global frequency and its presence in a patient with a rare or unrelated disease phenotype. NOT Sanger confirmed.